The following is an entry in ClinVar:

NM_007215.4(POLG2):c.-7GA[3] (p.Met1fs)

Genes: MILR1 (mast cell immunoglobulin like receptor 1; plus strand), POLG2 (DNA polymerase gamma 2, accessory subunit; minus strand). Cytogenetic location: 17q23.3.
Variant type: Microsatellite.
Coding change: c.-7GA[3] on transcript NM_007215.4 (MANE Select); three copies in a row of the 2-base unit GA starting at c.-7; the reference has four copies in a row; one copy, 2 bases deleted.
Protein change: p.Met1fs; shifts the reading frame from methionine 1.
Molecular consequence: frameshift variant, initiator codon variant.
Genome position (GRCh38, 1-based): chr17:64,496,968-64,496,969, TC deleted on the plus strand (GA on the coding strand, the reverse complement: POLG2 is on the minus strand); deleting any 2 consecutive bases within chr17:64,496,968-64,496,975 gives the same sequence; the position shown is the placement nearest the transcript's 3' end. VCF-style (leftmost placement, unchanged base first): chr17-64496967-ATC-A. GRCh37 (hg19) VCF-style: chr17-62493085-ATC-A.
Other names: short protein forms M1fs.
Identifiers: ClinVar variation 2648100 (VCV002648100.24), dbSNP rs2509561923, ClinGen allele CA2639358352.

ClinVar aggregate classification (germline): Uncertain significance (1 of 4 stars; one submission).

Submission:

CeGaT Center for Human Genetics Tuebingen
Classification: Uncertain significance. Last evaluated: 2022-12-01. Review status: criteria provided, single submitter. Criteria: CeGaT Center For Human Genetics Tuebingen Variant Classification Criteria Version 2. Collection method: clinical testing. Allele origin: germline. Affected: yes. Observed: 1 variant allele.
Comment: POLG2: PM2